The following is an entry in ClinVar:

ClinVar aggregate classification (germline): Likely benign. Review status: criteria provided, multiple submitters, no conflicts (2 of 4 stars). 3 submissions from 3 submitters: Likely benign (3). Last evaluated 2024-01-10.

Conditions:
Cardiomyopathy (CMYO). Also called: Cardiomyopathies. Identifiers: Orphanet 167848, MedGen C0878544, MONDO:0004994, HP:0001638. Inheritance: Various modes of inheritance.
Hypertrophic cardiomyopathy. Also called: HYPERTROPHIC MYOCARDIOPATHY. Identifiers: Orphanet 217569, MedGen C0007194, MeSH D002312, MONDO:0005045, HP:0001639.

Allele frequency attached by ClinVar (database versions not stated): gnomAD exomes below 0.00001.
gnomAD v4.1: 1 of 1,614,074 alleles (0.000062%); highest among the groups gnomAD compares: Non-Finnish European, 0.000085%; no homozygotes.

Submissions (3):

Labcorp Genetics (formerly Invitae), Labcorp
Classification: Likely benign for Hypertrophic cardiomyopathy. Last evaluated: 2024-01-10. Review status: criteria provided, single submitter. Criteria: Invitae Variant Classification Sherloc (09022015). Collection method: clinical testing. Allele origin: germline.

All of Us Research Program, National Institutes of Health
Classification: Likely benign for Hypertrophic cardiomyopathy. Last evaluated: 2023-09-04. Review status: criteria provided, single submitter. Criteria: ACMG Guidelines, 2015. Collection method: clinical testing. Allele origin: germline. Inheritance: Autosomal dominant inheritance. Observed: 1 variant allele, 1 heterozygote.
Comment: This study involves interpretation of variants in research participants for the purpose of population health screening. Participant phenotype was not available at the time of variant classification. Additional details can be found in publication PMID: 35346344, PMCID: PMC8962531

Color Diagnostics, LLC DBA Color Health
Classification: Likely benign for Cardiomyopathy. Last evaluated: 2022-11-06. Review status: criteria provided, single submitter. Criteria: ACMG Guidelines, 2015. Collection method: clinical testing. Allele origin: germline.

NM_001018005.2(TPM1):c.786T>C (p.Ala262=)

Gene: TPM1 (tropomyosin 1; plus strand). Cytogenetic location: 15q22.2.
Variant type: single nucleotide variant.
Coding change: c.786T>C on transcript NM_001018005.2 (MANE Select); coding-DNA position 786, T replaced by C.
Protein change: p.Ala262=; no amino-acid change (alanine 262 retained).
Molecular consequence: synonymous variant. On other transcripts: intron variant (12).
Genome position (GRCh38, 1-based): chr15:63,064,077, T>C. VCF-style: chr15-63064077-T-C. GRCh37 (hg19) VCF-style: chr15-63356276-T-C.
Other names: c.786T>C, p.Ala262= (NM_000366.6, NM_001301244.2, NM_001365779.1); c.678T>C, p.Ala226= (NM_001330346.2, NM_001365781.2, NM_001365782.1); c.898+1432T>C (NM_001365778.1); c.772+1432T>C (NM_001018020.2, NM_001018007.2, NM_001018006.2 and 3 more transcripts); c.664+1432T>C (NM_001330351.2, NM_001330344.2, NM_001018008.2 and 2 more transcripts).
Identifiers: ClinVar variation 1535552 (VCV001535552.9), dbSNP rs2140991865, ClinGen allele CA2573151035.